The following is an entry in ClinVar:

NM_000038.6(APC):c.559del (p.Arg187fs)

Gene: APC (APC regulator of Wnt signaling pathway; plus strand). Cytogenetic location: 5q22.2.
Variant type: Deletion.
Coding change: c.559del on transcript NM_000038.6 (MANE Select); coding-DNA position 559, one base deleted (A; older notation c.559delA).
Protein change: p.Arg187fs; shifts the reading frame from arginine 187.
Molecular consequence: frameshift variant. On other transcripts: 5 prime UTR variant (1).
Genome position (GRCh38, 1-based): chr5:112,780,817, A deleted; the last of 2 consecutive A bases (chr5:112,780,816-112,780,817); deleting either gives the same sequence. VCF-style (leftmost placement, unchanged base first): chr5-112780815-GA-G. GRCh37 (hg19) VCF-style: chr5-112116512-GA-G.
Other names: c.559del, p.Arg187fs (NM_001127510.3, NM_001354895.2, NM_001354896.2 and 2 more transcripts); c.589del, p.Arg197fs (NM_001127511.3, NM_001354897.2, NM_001354902.2); c.484del, p.Arg162fs (NM_001354898.2, NM_001354904.2); c.382del, p.Arg128fs (NM_001354900.2, NM_001354901.2, NM_001354905.2); c.-477del (NM_001354906.2); short protein forms R162fs, R187fs, R197fs, R128fs.
Identifiers: ClinVar variation 862094 (VCV000862094.10), dbSNP rs1758242304, ClinGen allele CA916080334.

ClinVar aggregate classification (germline): Pathogenic. Review status: criteria provided, multiple submitters, no conflicts (2 of 4 stars). 2 submissions from 2 submitters: Pathogenic (2). Last evaluated 2023-04-26.

Conditions:
Familial adenomatous polyposis 1 (FAP1). Also called: POLYPOSIS, ADENOMATOUS INTESTINAL; FAMILIAL ADENOMATOUS POLYPOSIS 1, ATTENUATED. Identifiers: MedGen C2713442, MONDO:0021056, OMIM 175100. Disease mechanism: loss of function.

Submissions (2):

Myriad Genetics, Inc.
Classification: Pathogenic for Familial adenomatous polyposis 1. Last evaluated: 2023-04-26. Review status: criteria provided, single submitter. Criteria: Myriad Autosomal Dominant, Autosomal Recessive and X-Linked Classification Criteria (2023). Collection method: clinical testing. Allele origin: unknown.
Comment: This variant is considered pathogenic. This variant creates a frameshift predicted to result in premature protein truncation.

Labcorp Genetics (formerly Invitae), Labcorp
Classification: Pathogenic for Familial adenomatous polyposis 1. Last evaluated: 2021-08-28. Review status: criteria provided, single submitter. Criteria: Invitae Variant Classification Sherloc (09022015). Collection method: clinical testing. Allele origin: germline.
Comment: For these reasons, this variant has been classified as Pathogenic. Loss-of-function variants in APC are known to be pathogenic (PMID: 17963004, 20685668). This variant has not been reported in the literature in individuals with APC-related conditions. This variant is not present in population databases (ExAC no frequency). This sequence change creates a premature translational stop signal (p.Arg187Glyfs*18) in the APC gene. It is expected to result in an absent or disrupted protein product.

Literature cited by the submitters: PubMed 17963004 (cited by Labcorp Genetics (formerly Invitae), Labcorp); PubMed 20685668 (cited by Labcorp Genetics (formerly Invitae), Labcorp).